The following is an entry in ClinVar:

NM_207122.2(EXT2):c.1110G>T (p.Met370Ile)

Gene: EXT2 (exostosin glycosyltransferase 2; plus strand). Cytogenetic location: 11p11.2.
Variant type: single nucleotide variant.
Coding change: c.1110G>T on transcript NM_207122.2 (MANE Select); coding-DNA position 1110, G replaced by T.
Protein change: p.Met370Ile; replaces methionine 370 with isoleucine.
Molecular consequence: missense variant.
Genome position (GRCh38, 1-based): chr11:44,130,075, G>T. VCF-style: chr11-44130075-G-T. GRCh37 (hg19) VCF-style: chr11-44151625-G-T.
Other names: c.1209G>T, p.Met403Ile (NM_000401.3); c.1110G>T, p.Met370Ile (NM_001178083.3, NM_001389628.1, NM_001389630.1); short protein forms M370I, M403I.
Identifiers: ClinVar variation 134217 (VCV000134217.20), dbSNP rs34084767, ClinGen allele CA159171.

ClinVar aggregate classification (germline): Benign. Review status: criteria provided, multiple submitters, no conflicts (2 of 4 stars). 8 submissions from 8 submitters: Benign (7). 1 of the submissions does not count toward it. Last evaluated 2026-01-26.

Conditions:
Exostoses, multiple, type 2 (EXT2). Also called: Hereditary Multiple Osteochondromatosis, Type II; EXOSTOSES, MULTIPLE, TYPE II. Identifiers: Orphanet 321, MedGen C1851413, MONDO:0007586, OMIM 133701.

Allele frequency attached by ClinVar (database versions not stated): gnomAD exomes 0.00051 and 0.00132; ExAC 0.00165; ESP Exome Variant Server 0.00500; gnomAD 0.00502 and 0.00538; TOPMed 0.00560; 1000 Genomes Project 0.00679; 1000 Genomes Project 30x 0.00718.
gnomAD v4.1: 1,544 of 1,614,152 alleles (0.096%); highest among the groups gnomAD compares: African/African-American, 1.8%; 13 homozygotes.

Submissions (8):

Labcorp Genetics (formerly Invitae), Labcorp
Classification: Benign for Exostoses, multiple, type 2. Last evaluated: 2026-01-26. Review status: criteria provided, single submitter. Criteria: Invitae Variant Classification Sherloc (09022015). Collection method: clinical testing. Allele origin: germline.

Dasa
Classification: Benign. Last evaluated: 2026-01-19. Review status: criteria provided, single submitter. Criteria: DASA Assertion Criteria. Collection method: clinical testing. Allele origin: germline.
Comment: NM_207122.2(EXT2):c.1110G>T (p.Met370Ile) is interpreted as benign based on a combination of available evidence, including population frequency. Based on the available data, this variant is classified as benign.

KCCC/NGS Laboratory, Kuwait Cancer Control Center
Classification: Benign for Exostoses, multiple, type 2. Last evaluated: 2025-02-01. Review status: criteria provided, single submitter. Criteria: ACMG Guidelines, 2015. Collection method: clinical testing. Allele origin: germline. Affected: no.

Blueprint Genetics
Classification: Benign. Last evaluated: 2024-11-25. Review status: criteria provided, single submitter. Criteria: ACMG Guidelines, 2015. Collection method: clinical testing. Allele origin: germline.

GeneDx
Classification: Benign. Last evaluated: 2021-01-05. Review status: criteria provided, single submitter. Criteria: GeneDx Variant Classification Process June 2021. Collection method: clinical testing. Allele origin: germline. Affected: yes.
Comment: This variant is associated with the following publications: (PMID: 29529714)

Illumina Laboratory Services, Illumina
Classification: Benign for Exostoses, multiple, type 2. Last evaluated: 2018-01-13. Review status: criteria provided, single submitter. Criteria: ICSL Variant Classification Criteria 13 December 2019. Collection method: clinical testing. Allele origin: germline.
Comment: This variant was observed in the ICSL laboratory as part of a predisposition screen in an ostensibly healthy population. It had not been previously curated by ICSL or reported in the Human Gene Mutation Database (HGMD: prior to June 1st, 2018), and was therefore a candidate for classification through an automated scoring system. Utilizing variant allele frequency, disease prevalence and penetrance estimates, and inheritance mode, an automated score was calculated to assess if this variant is too frequent to cause the disease. Based on the score and internal cut-off values, a variant classified as benign is not then subjected to further curation. The score for this variant resulted in a classification of benign for this disease.

Breakthrough Genomics
Classification: Benign. Review status: criteria provided, single submitter. Criteria: ACMG Guidelines, 2015. Collection method: not provided. Allele origin: germline. Inheritance: Autosomal recessive inheritance. Affected: yes.

ITMI
No classification provided. Condition: AllHighlyPenetrant. Last evaluated: 2013-09-19. Review status: no classification provided. Collection method: reference population. Allele origin: germline. Not counted in ClinVar's aggregate classification.
Comment: Please see associated publication for description of ethnicities

Literature cited by the submitters: PubMed 24728327 (cited by ITMI).